The following is an entry in ClinVar:

ClinVar aggregate classification (germline): Uncertain significance (1 of 4 stars; one submission).

Conditions:
Progressive microcephaly-seizures-cortical blindness-developmental delay syndrome. Also called: Seizures, cortical blindness, and microcephaly syndrome. Identifiers: Orphanet 477814, MedGen C5567650, MONDO:0014714, OMIM 616632.
Autosomal dominant nonsyndromic hearing loss 1. Also called: KONIGSMARK SYNDROME; DEAFNESS, AUTOSOMAL DOMINANT 1, WITH OR WITHOUT THROMBOCYTOPENIA. Identifiers: Orphanet 90635, MedGen C1852282, MONDO:0007424, OMIM 124900.

Submission:

Labcorp Genetics (formerly Invitae), Labcorp
Classification: Uncertain significance for Progressive microcephaly-seizures-cortical blindness-developmental delay syndrome; Autosomal dominant nonsyndromic hearing loss 1. Last evaluated: 2022-10-27. Review status: criteria provided, single submitter. Criteria: Invitae Variant Classification Sherloc (09022015). Collection method: clinical testing. Allele origin: germline.
Comment: This variant has not been reported in the literature in individuals affected with DIAPH1-related conditions. This variant is not present in population databases (gnomAD no frequency). This sequence change replaces isoleucine, which is neutral and non-polar, with threonine, which is neutral and polar, at codon 459 of the DIAPH1 protein (p.Ile459Thr). Algorithms developed to predict the effect of missense changes on protein structure and function are either unavailable or do not agree on the potential impact of this missense change (SIFT: "Deleterious"; PolyPhen-2: "Not Available"; Align-GVGD: "Class C0"). In summary, the available evidence is currently insufficient to determine the role of this variant in disease. Therefore, it has been classified as a Variant of Uncertain Significance.

NM_005219.5(DIAPH1):c.1376T>C (p.Ile459Thr)

Gene: DIAPH1 (diaphanous related formin 1; minus strand). Cytogenetic location: 5q31.3.
Variant type: single nucleotide variant.
Coding change: c.1376T>C on transcript NM_005219.5 (MANE Select); coding-DNA position 1376, T replaced by C.
Protein change: p.Ile459Thr; replaces isoleucine 459 with threonine.
Molecular consequence: missense variant.
Genome position (GRCh38, 1-based): chr5:141,576,776, A>G on the plus strand (T>C on the coding strand, the complement: DIAPH1 is on the minus strand). VCF-style: chr5-141576776-A-G. GRCh37 (hg19) VCF-style: chr5-140956343-A-G.
Other names: c.1349T>C, p.Ile450Thr (NM_001079812.3); c.1376T>C, p.Ile459Thr (NM_001314007.2); short protein forms I459T, I450T.
Identifiers: ClinVar variation 2941024 (VCV002941024.3), dbSNP rs2513751777, ClinGen allele CA361527454.
Genomic context (GRCh38, chr5:141,576,776, plus strand): 5'-AAGCAATACTTGGAGGAGCCAGATAGAAGAGTATGCTTACCAATTAATCCCTCAATCTCA[A>G]TCTGGAGGTGCCGGCACTTGAAGTCAGGATCAGCCCCGTTCTTGTGCAGAACTATCTGGG-3'
Protein context (NP_005210.3, residues 449-469): DPDFKCRHLQ[Ile459Thr]EIEGLIDQMI